The following is an entry in ClinVar:

ClinVar aggregate classification (germline): Pathogenic (1 of 4 stars; one submission).

Conditions:
Renal cyst. Also called: Cystic kidney disease; Renal cysts; cystic kidneys. Identifiers: MedGen C3887499, MONDO:0002473, HP:0000107.

Submission:

Victorian Clinical Genetics Services, Murdoch Childrens Research Institute
Classification: Pathogenic for Renal cyst. Last evaluated: 2024-10-10. Review status: criteria provided, single submitter. Criteria: ACMG Guidelines, 2015. Collection method: clinical testing. Allele origin: germline. Inheritance: Autosomal dominant inheritance. Affected: yes.
Comment: Based on the classification scheme VCGS_Germline_v1.3.5, this variant is classified as Pathogenic. Following criteria are met: 0102 - Loss of function is a known mechanism of disease in this gene and is associated with retinitis pigmentosa 80 (MIM#617781), short-rib thoracic dysplasia 9 with or without polydactyly (MIM#266920) and cystic kidney disease (MONDO:0002473), IFT140-related (PMID: 34890546). (I) 0108 - This gene is associated with both recessive and dominant disease. Retinitis pigmentosa 80 (MIM#617781) and short-rib thoracic dysplasia 9 with or without polydactyly (MIM#266920) are inherited in an autosomal recessive manner, while cystic kidney disease (MONDO:0002473), IFT140-related is inherited in an autosomal dominant manner (OMIM, PMID: 34890546). (I) 0112 - The dominant condition associated with this gene may have incomplete penetrance. Parents of children with short-rib thoracic dysplasia 9 with or without polydactyly, who carry a single pathogenic variant that has also previously been associated with the dominant cystic kidney disease phenotype, have been reported as unaffected (PMID: 34890546). However, these parents weren't specifically assessed for cystic kidney disease. (I) 0201 - Variant is predicted to cause nonsense-mediated decay (NMD) and loss of protein (premature termination codon is located at least 54 nucleotides upstream of the final exon-exon junction). (SP) 0251 - This variant is heterozygous. (I) 0301 - Variant is absent from gnomAD (v2, v3 and v4). (SP) 0701 - Other NMD-predicted variants comparable to the one identified in this case have very strong previous evidence for pathogenicity (DECIPHER). These variants have been reported in families with later onset autosomal dominant polycystic kidney disease (PMID: 34890546) and autosomal recessive IFT140-related conditions (PMIDs: 22503633, 26968735). (SP) 0807 - This variant has no previous evidence of pathogenicity. (I) 0905 - No published segregation evidence has been identified for this variant. (I) 1007 - No published functional evidence has been identified for this variant. (I) 1208 - Inheritance information for this variant is not currently available in this individual. (I) Legend: (SP) - Supporting pathogenic, (I) - Information, (SB) - Supporting benign

Literature cited by the submitters: PubMed 22503633; PubMed 26968735; PubMed 34890546.

NM_014714.4(IFT140):c.2763del (p.Ser922fs)

Gene: IFT140 (intraflagellar transport 140; minus strand). Cytogenetic location: 16p13.3.
Variant type: Deletion.
Coding change: c.2763del on transcript NM_014714.4 (MANE Select); coding-DNA position 2763, one base deleted (C; older notation c.2763delC).
Protein change: p.Ser922fs; shifts the reading frame from serine 922.
Molecular consequence: frameshift variant.
Genome position (GRCh38, 1-based): chr16:1,525,892, G deleted on the plus strand (C on the coding strand, the reverse complement: IFT140 is on the minus strand). VCF-style (leftmost placement, unchanged base first): chr16-1525891-TG-T. GRCh37 (hg19) VCF-style: chr16-1575892-TG-T.
Other names: short protein forms S922fs.
Identifiers: ClinVar variation 3376703 (VCV003376703.1).